The following is an entry in ClinVar:

ClinVar aggregate classification (germline): Uncertain significance. Review status: criteria provided, multiple submitters, no conflicts (2 of 4 stars). 11 submissions from 10 submitters: Uncertain significance (11). Last evaluated 2026-01-20.

Conditions:
Inherited ovarian cancer (without breast cancer).
Hereditary cancer-predisposing syndrome. Also called: Tumor predisposition; Hereditary Cancer Syndrome; Neoplastic Syndromes, Hereditary; Hereditary neoplastic syndrome. Identifiers: Orphanet 140162, MedGen C0027672, MeSH D009386, MONDO:0015356.
Familial cancer of breast. Also called: BREAST CANCER, FAMILIAL; Hereditary breast cancer; hereditary breast carcinoma. Identifiers: Orphanet 227535, MedGen C0346153, MONDO:0016419, OMIM 114480. Disease mechanism: loss of function.
Fanconi anemia complementation group J. Also called: BRIP1-Related Fanconi Anemia. Identifiers: Orphanet 84, MedGen C1836860, MONDO:0012187, OMIM 609054.

Allele frequency attached by ClinVar (database versions not stated): TOPMed below 0.00001; gnomAD 0.00001; gnomAD exomes 0.00001; ExAC 0.00002.
gnomAD v4.1: 84 of 1,605,362 alleles (0.0052%); highest among the groups gnomAD compares: Non-Finnish European, 0.0071%; no homozygotes.

Submissions (11):

Labcorp Genetics (formerly Invitae), Labcorp
Classification: Uncertain significance for Familial cancer of breast; Fanconi anemia complementation group J. Last evaluated: 2026-01-20. Review status: criteria provided, single submitter. Criteria: Invitae Variant Classification Sherloc (09022015). Collection method: clinical testing. Allele origin: germline.
Comment: This sequence change replaces isoleucine, which is neutral and non-polar, with methionine, which is neutral and non-polar, at codon 489 of the BRIP1 protein (p.Ile489Met). This variant is present in population databases (rs587780230, gnomAD 0.003%). This missense change has been observed in individual(s) with ovarian cancer (PMID: 35263119). ClinVar contains an entry for this variant (Variation ID: 128161). Invitae Evidence Modeling of protein sequence and biophysical properties (such as structural, functional, and spatial information, amino acid conservation, physicochemical variation, residue mobility, and thermodynamic stability) indicates that this missense variant is not expected to disrupt BRIP1 protein function with a negative predictive value of 95%. In summary, the available evidence is currently insufficient to determine the role of this variant in disease. Therefore, it has been classified as a Variant of Uncertain Significance.

Color Diagnostics, LLC DBA Color Health
Classification: Uncertain significance for Hereditary cancer-predisposing syndrome. Last evaluated: 2025-02-10. Review status: criteria provided, single submitter. Criteria: ACMG Guidelines, 2015. Collection method: clinical testing. Allele origin: germline.
Comment: This missense variant replaces isoleucine with methionine at codon 489 of the BRIP1 protein. Computational prediction suggests that this variant may not impact protein structure and function. To our knowledge, functional studies have not been reported for this variant. This variant has been reported in individuals affected with tubo-ovarian cancer or breast cancer (PMID: 33471991, 35263119). This variant has been identified in 3/241248 chromosomes in the general population by the Genome Aggregation Database (gnomAD). The available evidence is insufficient to determine the role of this variant in disease conclusively. Therefore, this variant is classified as a Variant of Uncertain Significance.

Ambry Genetics
Classification: Uncertain significance for Hereditary cancer-predisposing syndrome. Last evaluated: 2024-12-26. Review status: criteria provided, single submitter. Criteria: Ambry Variant Classification Scheme 2023. Collection method: clinical testing. Allele origin: germline.
Comment: The p.I489M variant (also known as c.1467T>G) is located in coding exon 9 of the BRIP1 gene. This alteration results from a T to G substitution at nucleotide position 1467. The isoleucine at codon 489 is replaced by methionine, an amino acid with highly similar properties. Based on protein sequence alignment, this amino acid position is not well conserved in available vertebrate species. In addition, this alteration is predicted to be tolerated by in silico analysis. Since supporting evidence is limited at this time, the clinical significance of this alteration remains unclear.

Genomics and Molecular Medicine Service, East Genomic Laboratory Hub, NHS Genomic Medicine Service
Classification: Uncertain significance for Inherited ovarian cancer (without breast cancer). Last evaluated: 2024-10-08. Review status: criteria provided, single submitter. Criteria: ACGS Best Practice Guidelines for Variant Classification in Rare Disease 2020. Collection method: clinical testing. Allele origin: germline. Affected: yes.
Comment: BP4

Quest Diagnostics Nichols Institute San Juan Capistrano
Classification: Uncertain significance. Last evaluated: 2024-08-26. Review status: criteria provided, single submitter. Criteria: Quest Diagnostics criteria. Collection method: clinical testing. Allele origin: unknown.
Comment: The BRIP1 c.1467T>G (p.Ile489Met) variant has been reported in the published literature in an individual with ovarian cancer (PMID: 35263119 (2022)). The frequency of this variant in the general population, 0.000028 (3/107912 chromosomes (Genome Aggregation Database)), is uninformative in the assessment of its pathogenicity. Analysis of this variant using bioinformatics tools for the prediction of the effect of amino acid changes on protein structure and function yielded conflicting predictions that this variant is benign or damaging. Based on the available information, we are unable to determine the clinical significance of this variant.

GeneDx
Classification: Uncertain significance. Last evaluated: 2024-02-07. Review status: criteria provided, single submitter. Criteria: GeneDx Variant Classification Process June 2021. Collection method: clinical testing. Allele origin: germline. Affected: yes.
Comment: Not observed at significant frequency in large population cohorts (gnomAD); In silico analysis supports that this missense variant does not alter protein structure/function; This variant is associated with the following publications: (PMID: 33471991, 35263119)

Fulgent Genetics
Classification: Uncertain significance for Familial cancer of breast; Fanconi anemia complementation group J. Last evaluated: 2024-01-17. Review status: criteria provided, single submitter. Criteria: ACMG Guidelines, 2015. Collection method: clinical testing. Allele origin: germline.

Baylor Genetics
Classification: Uncertain significance for Familial cancer of breast. Last evaluated: 2023-11-22. Review status: criteria provided, single submitter. Criteria: ACMG Guidelines, 2015. Collection method: clinical testing. Allele origin: unknown.

Women's Health and Genetics/Laboratory Corporation of America, LabCorp
Classification: Uncertain significance. Last evaluated: 2022-12-23. Review status: criteria provided, single submitter. Criteria: LabCorp Variant Classification Summary - May 2015. Collection method: clinical testing. Allele origin: germline.
Comment: Variant summary: BRIP1 c.1467T>G (p.Ile489Met) results in a conservative amino acid change in the encoded protein sequence. Four of five in-silico tools predict a benign effect of the variant on protein function. The variant allele was found at a frequency of 1.2e-05 in 241248 control chromosomes (gnomAD). The available data on variant occurrences in the general population are insufficient to allow any conclusion about variant significance. c.1467T>G has been reported in the literature in at-least one individual affected with Ovarian Cancer (example: Delahunty_2022). This report does not provide unequivocal conclusions about association of the variant with Hereditary Breast And Ovarian Cancer Syndrome. To our knowledge, no experimental evidence demonstrating an impact on protein function has been reported. Six clinical diagnostic laboratories have submitted clinical-significance assessments for this variant to ClinVar after 2014 and all classified the variant as uncertain significance. Based on the evidence outlined above, the variant was classified as uncertain significance.

Sema4
Classification: Uncertain significance for Hereditary cancer-predisposing syndrome. Last evaluated: 2021-10-04. Review status: criteria provided, single submitter. Criteria: Sema4 Curation Guidelines. Collection method: curation. Allele origin: germline.
Comment: The BRIP1 c.1467T>G (p.I489M) variant has been reported in a large breast cancer case-control study in 1/60466 cases and not in 53461 controls (PMID: 33471991). It was observed in 3/107912 chromosomes of the Non-Finnish European subpopulation in the large and broad cohorts of the Genome Aggregation Database (PMID: 32461654). The variant has been reported in ClinVar (Variation ID 128161). Functional studies have not been performed, and in silico predictions of the variant's effect on protein function are inconclusive. The evidence is insufficient to meet ACMG/AMP criteria for classifying the variant as benign or pathogenic. Thus, the clinical significance of this variant is currently uncertain.

Baylor Genetics
Classification: Uncertain significance for Familial cancer of breast. Last evaluated: 2021-02-09. Review status: criteria provided, single submitter. Criteria: ACMG Guidelines, 2015. Collection method: clinical testing. Allele origin: maternal. Affected: yes. Study: CSER-TexasKidsCanSeq.
Comment: This variant was determined to be of uncertain significance according to ACMG Guidelines, 2015 [PMID:25741868].

Literature cited by the submitters: PubMed 35263119 (cited by 4 submitters); PubMed 33471991 (cited by Color Diagnostics, LLC DBA Color Health and Sema4).

NM_032043.3(BRIP1):c.1467T>G (p.Ile489Met)

Gene: BRIP1 (BRCA1 interacting DNA helicase 1; minus strand). Cytogenetic location: 17q23.2.
Variant type: single nucleotide variant.
Coding change: c.1467T>G on transcript NM_032043.3 (MANE Select); coding-DNA position 1467, T replaced by G.
Protein change: p.Ile489Met; replaces isoleucine 489 with methionine.
Molecular consequence: missense variant.
Genome position (GRCh38, 1-based): chr17:61,793,603, A>C on the plus strand (T>G on the coding strand, the complement: BRIP1 is on the minus strand). VCF-style: chr17-61793603-A-C. GRCh37 (hg19) VCF-style: chr17-59870964-A-C.
Other names: p.I489M:ATT>ATG; short protein forms I489M.
Identifiers: ClinVar variation 128161 (VCV000128161.31), dbSNP rs587780230, ClinGen allele CA288529.
Genomic context (GRCh38, chr17:61,793,603, plus strand): 5'-CTAAATCACTTCTAATTCACTAAATACGTTTCACAGGTAGAAAAAATATCTTACCTGCAA[A>C]ATGGGAAAAGTAGCAGTGGTGATACCCATTTTGTGTAAAGTTAAGAGCATTTCATTTCCA-3'
Protein context (NP_114432.2, residues 479-499): KMGITTATFP[Ile489Met]LQGHFSAVLQ